The following is an entry in ClinVar:

ClinVar aggregate classification (germline): Uncertain significance. Review status: criteria provided, multiple submitters, no conflicts (2 of 4 stars). 6 submissions from 6 submitters: Uncertain significance (6). Last evaluated 2025-07-01.

Conditions:
Dilated cardiomyopathy 1CC (CMD1CC). Identifiers: Orphanet 154, MedGen C2751084, MONDO:0013147, OMIM 613122.
Cardiovascular phenotype. Identifiers: MedGen CN230736.
Hypertrophic cardiomyopathy 20. Identifiers: MedGen C3151267, MONDO:0013477, OMIM 613876.

Allele frequency attached by ClinVar (database versions not stated): ExAC 0.00003; gnomAD exomes 0.00003 and 0.00004; TOPMed 0.00004; gnomAD 0.00005.
gnomAD v4.1: 48 of 1,604,760 alleles (0.003%); highest among the groups gnomAD compares: Non-Finnish European, 0.0028%; no homozygotes.

Submissions (6):

Ambry Genetics
Classification: Uncertain significance for Cardiovascular phenotype. Last evaluated: 2025-07-01. Review status: criteria provided, single submitter. Criteria: Ambry Variant Classification Scheme 2023. Collection method: clinical testing. Allele origin: germline.
Comment: The p.T363R variant (also known as c.1088C>G), located in coding exon 9 of the NEXN gene, results from a C to G substitution at nucleotide position 1088. The threonine at codon 363 is replaced by arginine, an amino acid with similar properties. This amino acid position is not well conserved in available vertebrate species. In addition, the in silico prediction for this alteration is inconclusive. Based on the available evidence, the clinical significance of this variant remains unclear.

Mayo Clinic Laboratories, Mayo Clinic
Classification: Uncertain significance. Last evaluated: 2024-06-13. Review status: criteria provided, single submitter. Criteria: ACMG Guidelines, 2015. Collection method: clinical testing. Allele origin: germline. Observed: 1 variant allele.
Comment: BP4

KardioGenetik, Herz- und Diabeteszentrum NRW
Classification: Uncertain significance for Dilated cardiomyopathy 1CC. Last evaluated: 2023-08-14. Review status: criteria provided, single submitter. Criteria: ACMG Guidelines, 2015. Collection method: clinical testing. Allele origin: unknown. Observed: 1 variant allele.

Department of Pathology and Laboratory Medicine, Sinai Health System
Classification: Uncertain significance for Dilated cardiomyopathy 1CC; Hypertrophic cardiomyopathy 20. Last evaluated: 2021-10-22. Review status: criteria provided, single submitter. Criteria: ACMG Guidelines, 2015. Collection method: research. Allele origin: germline.

Labcorp Genetics (formerly Invitae), Labcorp
Classification: Uncertain significance for Dilated cardiomyopathy 1CC; Hypertrophic cardiomyopathy 20. Last evaluated: 2021-08-31. Review status: criteria provided, single submitter. Criteria: Invitae Variant Classification Sherloc (09022015). Collection method: clinical testing. Allele origin: germline.
Comment: This sequence change replaces threonine with arginine at codon 363 of the NEXN protein (p.Thr363Arg). The threonine residue is moderately conserved and there is a moderate physicochemical difference between threonine and arginine. This variant is present in population databases (rs748351352, ExAC 0.005%). This variant has not been reported in the literature in individuals affected with NEXN-related conditions. Algorithms developed to predict the effect of missense changes on protein structure and function are either unavailable or do not agree on the potential impact of this missense change (SIFT: "Deleterious"; PolyPhen-2: "Benign"; Align-GVGD: "Class C0"). In summary, the available evidence is currently insufficient to determine the role of this variant in disease. Therefore, it has been classified as a Variant of Uncertain Significance.

Blueprint Genetics
Classification: Uncertain significance. Last evaluated: 2018-11-30. Review status: criteria provided, single submitter. Criteria: ACMG Guidelines, 2015. Collection method: clinical testing. Allele origin: germline.

Literature cited by the submitters: PubMed 26659360 (cited by Ambry Genetics).

NM_144573.4(NEXN):c.1088C>G (p.Thr363Arg)

Gene: NEXN (nexilin F-actin binding protein; plus strand). Cytogenetic location: 1p31.1.
Variant type: single nucleotide variant.
Coding change: c.1088C>G on transcript NM_144573.4 (MANE Select); coding-DNA position 1088, C replaced by G.
Protein change: p.Thr363Arg; replaces threonine 363 with arginine.
Molecular consequence: missense variant.
Genome position (GRCh38, 1-based): chr1:77,933,316, C>G. VCF-style: chr1-77933316-C-G. GRCh37 (hg19) VCF-style: chr1-78399001-C-G.
Other names: p.Thr363Arg; c.896C>G, p.Thr299Arg (NM_001172309.2); short protein forms T363R, T299R.
Identifiers: ClinVar variation 948753 (VCV000948753.14), dbSNP rs748351352, ClinGen allele CA918803.